The following is an entry in ClinVar:

ClinVar aggregate classification (germline): Uncertain significance (1 of 4 stars; one submission).

Conditions:
Inborn genetic diseases. Identifiers: MedGen C0950123, MeSH D030342.

Allele frequency attached by ClinVar (database versions not stated): gnomAD exomes below 0.00001.
gnomAD v4.1: 1 of 1,613,936 alleles (0.000062%); highest among the groups gnomAD compares: Non-Finnish European, 0.000085%; no homozygotes.

Submission:

Ambry Genetics
Classification: Uncertain significance for Inborn genetic diseases. Last evaluated: 2022-03-23. Review status: criteria provided, single submitter. Criteria: Ambry Variant Classification Scheme 2023. Collection method: clinical testing. Allele origin: germline.
Comment: The c.4495C>T (p.L1499F) alteration is located in exon 20 (coding exon 20) of the MED13L gene. This alteration results from a C to T substitution at nucleotide position 4495, causing the leucine (L) at amino acid position 1499 to be replaced by a phenylalanine (F). This variant was not reported in population-based cohorts in the Genome Aggregation Database (gnomAD). This amino acid position is highly conserved in available vertebrate species. The in silico prediction for this alteration is inconclusive. Based on insufficient or conflicting evidence, the clinical significance of this alteration remains unclear.

NM_015335.5(MED13L):c.4495C>T (p.Leu1499Phe)

Gene: MED13L (mediator complex subunit 13L; minus strand). Cytogenetic location: 12q24.21.
Variant type: single nucleotide variant.
Coding change: c.4495C>T on transcript NM_015335.5 (MANE Select); coding-DNA position 4495, C replaced by T.
Protein change: p.Leu1499Phe; replaces leucine 1499 with phenylalanine.
Molecular consequence: missense variant.
Genome position (GRCh38, 1-based): chr12:115,984,216, G>A on the plus strand (C>T on the coding strand, the complement: MED13L is on the minus strand). VCF-style: chr12-115984216-G-A. GRCh37 (hg19) VCF-style: chr12-116422021-G-A.
Other names: short protein forms L1499F.
Identifiers: ClinVar variation 2277125 (VCV002277125.2), dbSNP rs2499831063, ClinGen allele CA386883500.